The following is an entry in ClinVar:

ClinVar aggregate classification (germline): Likely benign. Review status: criteria provided, multiple submitters, no conflicts (2 of 4 stars). 3 submissions from 3 submitters: Likely benign (3). Last evaluated 2023-09-04.

Conditions:
Hereditary spastic paraplegia 28. Also called: Spastic paraplegia 28, autosomal recessive. Identifiers: Orphanet 101008, MedGen C1836295, MONDO:0012256, OMIM 609340.

Allele frequency attached by ClinVar (database versions not stated): TOPMed 0.00007; ESP Exome Variant Server 0.00015.
gnomAD v4.1: 142 of 1,612,540 alleles (0.0088%); highest among the groups gnomAD compares: African/African-American, 0.015%; no homozygotes.

Submissions (3):

Labcorp Genetics (formerly Invitae), Labcorp
Classification: Likely benign for Hereditary spastic paraplegia 28. Last evaluated: 2023-09-04. Review status: criteria provided, single submitter. Criteria: Invitae Variant Classification Sherloc (09022015). Collection method: clinical testing. Allele origin: germline.

CeGaT Center for Human Genetics Tuebingen
Classification: Likely benign. Last evaluated: 2023-07-01. Review status: criteria provided, single submitter. Criteria: CeGaT Center For Human Genetics Tuebingen Variant Classification Criteria Version 2. Collection method: clinical testing. Allele origin: germline. Affected: yes. Observed: 1 variant allele.
Comment: DDHD1: BP4, BP7

GeneDx
Classification: Likely benign. Last evaluated: 2017-08-07. Review status: criteria provided, single submitter. Criteria: GeneDx Variant Classification (06012015). Collection method: clinical testing. Allele origin: germline. Affected: yes.
Comment: This variant is considered likely benign or benign based on one or more of the following criteria: it is a conservative change, it occurs at a poorly conserved position in the protein, it is predicted to be benign by multiple in silico algorithms, and/or has population frequency not consistent with disease.

NM_001160148.2(DDHD1):c.1056C>T (p.His352=)

Gene: DDHD1 (DDHD domain containing 1; minus strand). Cytogenetic location: 14q22.1.
Variant type: single nucleotide variant.
Coding change: c.1056C>T on transcript NM_001160148.2 (MANE Select); coding-DNA position 1056, C replaced by T.
Protein change: p.His352=; no amino-acid change (histidine 352 retained).
Molecular consequence: synonymous variant.
Genome position (GRCh38, 1-based): chr14:53,093,401, G>A on the plus strand (C>T on the coding strand, the complement: DDHD1 is on the minus strand). VCF-style: chr14-53093401-G-A. GRCh37 (hg19) VCF-style: chr14-53560119-G-A.
Other names: c.1077C>T, p.His359= (NM_001160147.2); c.1056C>T, p.His352= (NM_030637.3).
Identifiers: ClinVar variation 382077 (VCV000382077.29), dbSNP rs145960430, ClinGen allele CA7191328.